The following is an entry in ClinVar:

NM_001723.7(DST):c.7284A>G (p.Thr2428=)

Gene: DST (dystonin; minus strand). Cytogenetic location: 6p12.1.
Variant type: single nucleotide variant.
Coding change: c.7284A>G on transcript NM_001723.7 (MANE Plus Clinical); coding-DNA position 7284, A replaced by G.
Protein change: p.Thr2428=; no amino-acid change (threonine 2428 retained).
Molecular consequence: synonymous variant. On other transcripts: intron variant (10).
Genome position (GRCh38, 1-based): chr6:56,616,183, T>C on the plus strand (A>G on the coding strand, the complement: DST is on the minus strand). VCF-style: chr6-56616183-T-C. GRCh37 (hg19) VCF-style: chr6-56480981-T-C.
Other names: c.4831-1699A>G (NM_001144769.5); c.4930-1699A>G (NM_001374722.1, NM_001374736.1); c.4957-1699A>G (NM_001374734.1); c.4417-1699A>G (NM_001144770.2); c.4297-1699A>G (NM_001374730.1, NM_001386100.1, NM_183380.4 and 1 more transcripts); c.3319-1699A>G (NM_015548.5).
Identifiers: ClinVar variation 357549 (VCV000357549.61), dbSNP rs150845451, ClinGen allele CA3869994.

ClinVar aggregate classification (germline): Benign/Likely benign. Review status: criteria provided, multiple submitters, no conflicts (2 of 4 stars). 3 submissions from 3 submitters: Benign (1); Likely benign (2). Last evaluated 2026-01-06.

Conditions:
Hereditary sensory and autonomic neuropathy type 6. Also called: Neuropathy, hereditary sensory and autonomic, type VI; HSAN VI. Identifiers: Orphanet 314381, MedGen C3539003, MONDO:0013839, OMIM 614653.
Epidermolysis bullosa simplex 3, localized or generalized intermediate, with BP230 deficiency (EBS3). Also called: Epidermolysis bullosa simplex due to BP230 deficiency; Epidermolysis bullosa simplex, autosomal recessive 2. Identifiers: Orphanet 412181, MedGen C3809470, MONDO:0014180, OMIM 615425.

Allele frequency attached by ClinVar (database versions not stated): gnomAD 0.00019; TOPMed 0.00036; ESP Exome Variant Server 0.00046.
gnomAD v4.1: 523 of 1,614,114 alleles (0.032%); highest among the groups gnomAD compares: Middle Eastern, 0.13%; 3 homozygotes.

Submissions (3):

Labcorp Genetics (formerly Invitae), Labcorp
Classification: Benign for Epidermolysis bullosa simplex 3, localized or generalized intermediate, with BP230 deficiency; Hereditary sensory and autonomic neuropathy type 6. Last evaluated: 2026-01-06. Review status: criteria provided, single submitter. Criteria: Invitae Variant Classification Sherloc (09022015). Collection method: clinical testing. Allele origin: germline.

CeGaT Center for Human Genetics Tuebingen
Classification: Likely benign. Last evaluated: 2024-04-01. Review status: criteria provided, single submitter. Criteria: CeGaT Center For Human Genetics Tuebingen Variant Classification Criteria Version 2. Collection method: clinical testing. Allele origin: germline. Affected: yes. Observed: 3 variant alleles.
Comment: DST: BP4, BP7

Blueprint Genetics
Classification: Likely benign. Last evaluated: 2022-10-26. Review status: criteria provided, single submitter. Criteria: ACMG Guidelines, 2015. Collection method: clinical testing. Allele origin: germline.